The following is an entry in ClinVar:

NM_000095.3(COMP):c.1723A>T (p.Thr575Ser)

Gene: COMP (cartilage oligomeric matrix protein; minus strand). Cytogenetic location: 19p13.11.
Variant type: single nucleotide variant.
Coding change: c.1723A>T on transcript NM_000095.3 (MANE Select); coding-DNA position 1723, A replaced by T.
Protein change: p.Thr575Ser; replaces threonine 575 with serine.
Molecular consequence: missense variant.
Genome position (GRCh38, 1-based): chr19:18,785,087, T>A on the plus strand (A>T on the coding strand, the complement: COMP is on the minus strand). VCF-style: chr19-18785087-T-A. GRCh37 (hg19) VCF-style: chr19-18895897-T-A.
Other names: short protein forms T575S.
Identifiers: ClinVar variation 2755647 (VCV002755647.3), dbSNP rs2055155229, ClinGen allele CA404879360.
Genomic context (GRCh38, chr19:18,785,087, plus strand): 5'-CGTCATCCGTGACCGTGTTCACATGGAACGTGCCCTCGAAGTCCACGCCATTGAAGGCAG[T>A]GTAACCTAGGGATGGAAAGAGAGCAGTGGCCTTTCCGAACGCCAGCCCCAGCCCCCGGAA-3'
Protein context (NP_000086.2, residues 565-585): NSDPGLAVGY[Thr575Ser]AFNGVDFEGT

ClinVar aggregate classification (germline): Uncertain significance (1 of 4 stars; one submission).

Allele frequency attached by ClinVar (database versions not stated): gnomAD exomes below 0.00001.
gnomAD v4.1: 3 of 1,613,958 alleles (0.00019%); highest among the groups gnomAD compares: Non-Finnish European, 0.00017%; no homozygotes.

Submission:

Labcorp Genetics (formerly Invitae), Labcorp
Classification: Uncertain significance. Last evaluated: 2023-08-27. Review status: criteria provided, single submitter. Criteria: Invitae Variant Classification Sherloc (09022015). Collection method: clinical testing. Allele origin: germline.
Comment: Advanced modeling of protein sequence and biophysical properties (such as structural, functional, and spatial information, amino acid conservation, physicochemical variation, residue mobility, and thermodynamic stability) performed at Invitae indicates that this missense variant is not expected to disrupt COMP protein function. This sequence change replaces threonine, which is neutral and polar, with serine, which is neutral and polar, at codon 575 of the COMP protein (p.Thr575Ser). This variant is not present in population databases (gnomAD no frequency). This variant has not been reported in the literature in individuals affected with COMP-related conditions. In summary, the available evidence is currently insufficient to determine the role of this variant in disease. Therefore, it has been classified as a Variant of Uncertain Significance.